The following is an entry in ClinVar:

ClinVar aggregate classification (germline): Conflicting classifications of pathogenicity. Review status: criteria provided, conflicting classifications (1 of 4 stars). 4 submissions from 4 submitters: Pathogenic (1); Uncertain significance (2). 1 of the submissions does not count toward it. Last evaluated 2026-08-06.

Conditions:
Autosomal recessive severe congenital neutropenia due to JAGN1 deficiency. Also called: Severe congenital neutropenia 6, autosomal recessive. Identifiers: Orphanet 423384, MedGen C4014954, MONDO:0014456, OMIM 616022.
Severe congenital neutropenia (SCN). Identifiers: Orphanet 42738, MedGen C1853118, MONDO:0018542.

Submissions (4):

OLLIN Analises Genomicas, OLLIN
Classification: Uncertain significance. Last evaluated: 2026-08-06. Review status: criteria provided, single submitter. Criteria: ACMG Guidelines 2015 PMID 25741868. Collection method: clinical testing. Allele origin: germline.
Comment: This in-frame deletion, located in exon 1 (of 2), has been reported in ClinVar (accession VCV000156117.10) and in gnomAD with an allele frequency of 0.00019%. However, to our knowledge, it has not been reported in the scientific literature. This variant removes 3 amino acids, preserving the reading frame and leading to a reduced protein length. According to the currently available evidence, this variant has been classified as uncertain significance (PM2_P, PM4).

Labcorp Genetics (formerly Invitae), Labcorp
Classification: Uncertain significance for Autosomal recessive severe congenital neutropenia due to JAGN1 deficiency. Last evaluated: 2022-04-25. Review status: criteria provided, single submitter. Criteria: Invitae Variant Classification Sherloc (09022015). Collection method: clinical testing. Allele origin: germline.
Comment: This variant is present in population databases (rs752053703, gnomAD 0.002%). In summary, the available evidence is currently insufficient to determine the role of this variant in disease. Therefore, it has been classified as a Variant of Uncertain Significance. Experimental studies and prediction algorithms are not available or were not evaluated, and the functional significance of this variant is currently unknown. ClinVar contains an entry for this variant (Variation ID: 156117). This variant has been observed in individual(s) with neutropenia (PMID: 25129144). This variant, c.35_43del, results in the deletion of 3 amino acid(s) of the JAGN1 protein (p.Thr12_Gly14del), but otherwise preserves the integrity of the reading frame.

Klein lab, Ludwig-Maximilians-University
Classification: Pathogenic for Severe congenital neutropenia. Last evaluated: 2013-01-01. Review status: criteria provided, single submitter. Criteria: Submitter's publication. Collection method: in vitro. Allele origin: germline. Inheritance: Autosomal recessive inheritance. Affected: yes. Observed: 1 variant allele, 1 homozygote.
Comment: Neutropenia patients with mutations in JAGN1 respond poorly to treatment with recombinant human G-CSF

OMIM
Classification: Pathogenic for NEUTROPENIA, SEVERE CONGENITAL, 6, AUTOSOMAL RECESSIVE. Last evaluated: 2014-09-01. Review status: no assertion criteria provided. Collection method: literature only. Allele origin: germline. Not counted in ClinVar's aggregate classification.

Literature cited by the submitters: PubMed 25129144 (cited by Labcorp Genetics (formerly Invitae), Labcorp and OMIM).

NM_032492.4(JAGN1):c.35_43del (p.Thr12_Gly14del)

Gene: JAGN1 (jagunal vesicle mediated transporter 1; plus strand). Cytogenetic location: 3p25.3.
Variant type: Deletion.
Coding change: c.35_43del on transcript NM_032492.4 (MANE Select); coding-DNA positions 35 to 43, 9 bases deleted (CCGACGGCA; older notation c.35_43delCCGACGGCA).
Protein change: p.Thr12_Gly14del.
Molecular consequence: inframe deletion. On other transcripts: 5 prime UTR variant (1).
Genome position (GRCh38, 1-based): chr3:9,890,757-9,890,765, CCGACGGCA deleted; deleting any 9 consecutive bases within chr3:9,890,752-9,890,765 gives the same sequence; the c. name uses the placement nearest the transcript's 3' end. VCF-style (leftmost placement, unchanged base first): chr3-9890751-CCGGCACCGA-C. GRCh37 (hg19) VCF-style: chr3-9932435-CCGGCACCGA-C.
Other names: c.35_43del, p.Thr12_Gly14del (LRG_1228t1); c.-234_-226del (NM_001363890.1).
Identifiers: ClinVar variation 156117 (VCV000156117.11), dbSNP rs587777731, ClinGen allele CA170771.